The following is an entry in ClinVar:

ClinVar aggregate classification (germline): Benign/Likely benign. Review status: criteria provided, multiple submitters, no conflicts (2 of 4 stars). 8 submissions from 8 submitters: Benign (3); Likely benign (5). Last evaluated 2026-07-22.

Conditions:
Hereditary cancer-predisposing syndrome. Also called: Hereditary Cancer Syndrome; Tumor predisposition; Hereditary neoplastic syndrome; Neoplastic Syndromes, Hereditary. Identifiers: Orphanet 140162, MedGen C0027672, MeSH D009386, MONDO:0015356.
Intellectual disability, autosomal dominant 16 (CSS4). Also called: COFFIN-SIRIS SYNDROME 4. Identifiers: Orphanet 1465, MedGen C3553249, MONDO:0013821, OMIM 614609.
Rhabdoid tumor predisposition syndrome 2 (RTPS2). Identifiers: Orphanet 231108, Orphanet 69077, MedGen C2750074, MONDO:0013224, OMIM 613325.

Allele frequency attached by ClinVar (database versions not stated): ExAC 0.00005; gnomAD exomes 0.00006; 1000 Genomes Project 0.00040; gnomAD 0.00009 and 0.00008; TOPMed 0.00008; 1000 Genomes Project 30x 0.00031.
gnomAD v4.1: 109 of 1,613,712 alleles (0.0068%); highest among the groups gnomAD compares: Middle Eastern, 0.016%; no homozygotes.

Submissions (8):

Myriad Genetics, Inc.
Classification: Benign for Rhabdoid tumor predisposition syndrome 2. Last evaluated: 2026-07-22. Review status: criteria provided, single submitter. Criteria: Myriad Autosomal Dominant, Autosomal Recessive and X-Linked Classification Criteria (2023). Collection method: clinical testing. Allele origin: unknown.
Comment: This variant is considered benign. This variant is a silent/synonymous amino acid change and it is not expected to impact splicing.

CeGaT Center for Human Genetics Tuebingen
Classification: Likely benign. Last evaluated: 2026-05-01. Review status: criteria provided, single submitter. Criteria: CeGaT Center For Human Genetics Tuebingen Variant Classification Criteria Version 2. Collection method: clinical testing. Allele origin: germline. Affected: yes. Observed: 5 variant alleles.
Comment: SMARCA4: BP4, BP7

Labcorp Genetics (formerly Invitae), Labcorp
Classification: Likely benign for Rhabdoid tumor predisposition syndrome 2. Last evaluated: 2026-02-01. Review status: criteria provided, single submitter. Criteria: Invitae Variant Classification Sherloc (09022015). Collection method: clinical testing. Allele origin: germline.

Blueprint Genetics
Classification: Likely benign. Last evaluated: 2024-10-29. Review status: criteria provided, single submitter. Criteria: ACMG Guidelines, 2015. Collection method: clinical testing. Allele origin: germline.

Genome-Nilou Lab
Classification: Benign for Intellectual disability, autosomal dominant 16. Last evaluated: 2021-07-15. Review status: criteria provided, single submitter. Criteria: ACMG Guidelines, 2015. Collection method: clinical testing. Allele origin: germline. Affected: no.

Quest Diagnostics Nichols Institute San Juan Capistrano
Classification: Benign. Last evaluated: 2021-05-13. Review status: criteria provided, single submitter. Criteria: Quest Diagnostics criteria. Collection method: clinical testing. Allele origin: unknown.

Sema4
Classification: Likely benign for Hereditary cancer-predisposing syndrome. Last evaluated: 2020-12-19. Review status: criteria provided, single submitter. Criteria: Sema4 Curation Guidelines. Collection method: curation. Allele origin: germline.

Ambry Genetics
Classification: Likely benign for Hereditary cancer-predisposing syndrome. Last evaluated: 2015-06-26. Review status: criteria provided, single submitter. Criteria: Ambry Variant Classification Scheme 2023. Collection method: clinical testing. Allele origin: germline.

NM_003072.5(SMARCA4):c.4344C>T (p.Ala1448=)

Gene: SMARCA4 (SWI/SNF related BAF chromatin remodeling complex subunit ATPase 4; plus strand). Cytogenetic location: 19p13.2.
Variant type: single nucleotide variant.
Coding change: c.4344C>T on transcript NM_003072.5 (MANE Select); coding-DNA position 4344, C replaced by T.
Protein change: p.Ala1448=; no amino-acid change (alanine 1448 retained).
Molecular consequence: synonymous variant. On other transcripts: non-coding transcript variant (1).
Genome position (GRCh38, 1-based): chr19:11,041,480, C>T. VCF-style: chr19-11041480-C-T. GRCh37 (hg19) VCF-style: chr19-11152156-C-T.
Other names: c.4344C>T, p.Ala1448= (NM_001128844.3); c.4254C>T, p.Ala1418= (NM_001128845.2, NM_001128846.2); c.4245C>T, p.Ala1415= (NM_001128847.4, NM_001128848.2, NM_001374457.1); c.4440C>T, p.Ala1480= (NM_001128849.3, NM_001387283.1).
Identifiers: ClinVar variation 238473 (VCV000238473.45), dbSNP rs200087760, ClinGen allele CA9204709.
Genomic context (GRCh38, chr19:11,041,480, plus strand): 5'-CCGCAGCCGCGACAAGGACGACGAGAGCAAGAAGCAGAAGAAGCGCGGGCGGCCGCCTGC[C>T]GAGAAACTCTCCCCTAACCCACCCAACCTCACCAAGAAGATGAAGAAGATTGTGGATGCC-3'
Protein context (NP_003063.2, residues 1438-1458): KKQKKRGRPP[Ala1448=]EKLSPNPPNL